The following is an entry in ClinVar:

NM_001130009.3(GEN1):c.2000T>G (p.Leu667Ter)

Gene: GEN1 (GEN1 structure-specific endonuclease; plus strand). Cytogenetic location: 2p24.2.
Variant type: single nucleotide variant.
Coding change: c.2000T>G on transcript NM_001130009.3 (MANE Select); coding-DNA position 2000, T replaced by G.
Protein change: p.Leu667Ter; replaces leucine 667 with a stop codon.
Molecular consequence: nonsense.
Genome position (GRCh38, 1-based): chr2:17,781,212, T>G. VCF-style: chr2-17781212-T-G. GRCh37 (hg19) VCF-style: chr2-17962479-T-G.
Other names: c.2000T>G, p.Leu667Ter (NM_182625.5); short protein forms L667*.
Identifiers: ClinVar variation 1953012 (VCV001953012.5), dbSNP rs2545629751, ClinGen allele CA345927092.
Genomic context (GRCh38, chr2:17,781,212, plus strand): 5'-TGGATGAGGATTCTGATGGGATTAGTCCTGAAGAGCATCTACTTTCTGGCATTACTGATT[T>G]ATGTCTTCAGGATTTGCCTTTAAAGGAACGAATATTTACAAAATTATCATATCCTCAGGA-3'

ClinVar aggregate classification (germline): Uncertain significance (1 of 4 stars; one submission).

Submission:

Labcorp Genetics (formerly Invitae), Labcorp
Classification: Uncertain significance. Last evaluated: 2025-10-19. Review status: criteria provided, single submitter. Criteria: Invitae Variant Classification Sherloc (09022015). Collection method: clinical testing. Allele origin: germline.
Comment: This sequence change creates a premature translational stop signal (p.Leu667*) in the GEN1 gene. While this is not anticipated to result in nonsense mediated decay, it is expected to disrupt the last 242 amino acid(s) of the GEN1 protein. This variant is not present in population databases (gnomAD no frequency). This variant has not been reported in the literature in individuals affected with GEN1-related conditions. ClinVar contains an entry for this variant (Variation ID: 1953012). Experimental studies and prediction algorithms are not available or were not evaluated, and the functional significance of this variant is currently unknown. In summary, the available evidence is currently insufficient to determine the role of this variant in disease. Therefore, it has been classified as a Variant of Uncertain Significance.